The following is an entry in ClinVar:

ClinVar aggregate classification (germline): Pathogenic/Likely pathogenic. Review status: criteria provided, multiple submitters, no conflicts (2 of 4 stars). 2 submissions from 2 submitters: Pathogenic (1); Likely pathogenic (1). Last evaluated 2024-03-01.

Conditions:
DST-related disorder. Also called: DST-related disorders; DST-related condition.
Hereditary sensory and autonomic neuropathy type 6. Also called: Neuropathy, hereditary sensory and autonomic, type VI; HSAN VI. Identifiers: Orphanet 314381, MedGen C3539003, MONDO:0013839, OMIM 614653.
Epidermolysis bullosa simplex 3, localized or generalized intermediate, with BP230 deficiency (EBS3). Also called: Epidermolysis bullosa simplex due to BP230 deficiency; Epidermolysis bullosa simplex, autosomal recessive 2. Identifiers: Orphanet 412181, MedGen C3809470, MONDO:0014180, OMIM 615425.

Allele frequency attached by ClinVar (database versions not stated): ExAC 0.00001; gnomAD exomes 0.00001 and 0.00002; TOPMed 0.00004; gnomAD 0.00005 and 0.00006; 1000 Genomes Project 30x 0.00016; 1000 Genomes Project 0.00020.
gnomAD v4.1: 28 of 1,614,086 alleles (0.0017%); highest among the groups gnomAD compares: African/African-American, 0.008%; no homozygotes.

Submissions (2):

Labcorp Genetics (formerly Invitae), Labcorp
Classification: Pathogenic for Epidermolysis bullosa simplex 3, localized or generalized intermediate, with BP230 deficiency; Hereditary sensory and autonomic neuropathy type 6. Last evaluated: 2024-03-01. Review status: criteria provided, single submitter. Criteria: Invitae Variant Classification Sherloc (09022015). Collection method: clinical testing. Allele origin: germline.
Comment: This sequence change creates a premature translational stop signal (p.Arg1696*) in the DST gene. It is expected to result in an absent or disrupted protein product. Loss-of-function variants in DST are known to be pathogenic (PMID: 22522446, 25059916, 30371979). This variant is present in population databases (rs528907932, gnomAD 0.01%). This variant has not been reported in the literature in individuals affected with DST-related conditions. ClinVar contains an entry for this variant (Variation ID: 1454212). For these reasons, this variant has been classified as Pathogenic.

Blueprint Genetics
Classification: Likely pathogenic for DST-related disorders. Last evaluated: 2018-04-17. Review status: criteria provided, single submitter. Criteria: ACMG Guidelines, 2015. Collection method: clinical testing. Allele origin: germline. Affected: yes. Observed: 1 variant allele.

Literature cited by the submitters: PubMed 22522446 (cited by Labcorp Genetics (formerly Invitae), Labcorp); PubMed 25059916 (cited by Labcorp Genetics (formerly Invitae), Labcorp); PubMed 30371979 (cited by Labcorp Genetics (formerly Invitae), Labcorp).

NM_001723.7(DST):c.5086C>T (p.Arg1696Ter)

Gene: DST (dystonin; minus strand). Cytogenetic location: 6p12.1.
Variant type: single nucleotide variant.
Coding change: c.5086C>T on transcript NM_001723.7 (MANE Plus Clinical); coding-DNA position 5086, C replaced by T.
Protein change: p.Arg1696Ter; replaces arginine 1696 with a stop codon.
Molecular consequence: nonsense. On other transcripts: intron variant (10).
Genome position (GRCh38, 1-based): chr6:56,618,948, G>A on the plus strand (C>T on the coding strand, the complement: DST is on the minus strand). VCF-style: chr6-56618948-G-A. GRCh37 (hg19) VCF-style: chr6-56483746-G-A.
Other names: c.4831-4464C>T (NM_001144769.5); c.4930-4464C>T (NM_001374722.1, NM_001374736.1); c.4957-4464C>T (NM_001374734.1); c.4417-4464C>T (NM_001144770.2); c.4297-4464C>T (NM_001374730.1, NM_001386100.1, NM_183380.4 and 1 more transcripts); c.3319-4464C>T (NM_015548.5); short protein forms R1696*.
Identifiers: ClinVar variation 1454212 (VCV001454212.7), dbSNP rs528907932, ClinGen allele CA3870422.
Genomic context (GRCh38, chr6:56,618,948, plus strand): 5'-ACCTGTTATTTAACTCTTGCACCTGAGCTTGTTGTAGCTGAACTTTCTGCTCCCCGCGTC[G>A]CTTCTCTTCTTTGGAAGCATTCAGTTCCGCATTCAGATTTCTAACTTCTTTCTTGGTATT-3'